The following is an entry in ClinVar:

NM_015665.6(AAAS):c.1228C>T (p.Arg410Cys)

Gene: AAAS (aladin WD repeat nucleoporin; minus strand). Cytogenetic location: 12q13.13.
Variant type: single nucleotide variant.
Coding change: c.1228C>T on transcript NM_015665.6 (MANE Select); coding-DNA position 1228, C replaced by T.
Protein change: p.Arg410Cys; replaces arginine 410 with cysteine.
Molecular consequence: missense variant.
Genome position (GRCh38, 1-based): chr12:53,308,303, G>A on the plus strand (C>T on the coding strand, the complement: AAAS is on the minus strand). VCF-style: chr12-53308303-G-A. GRCh37 (hg19) VCF-style: chr12-53702087-G-A.
Other names: c.1129C>T, p.Arg377Cys (NM_001173466.2); short protein forms R377C, R410C.
Identifiers: ClinVar variation 1939415 (VCV001939415.2), dbSNP rs774565315, ClinGen allele CA6598929.

ClinVar aggregate classification (germline): Uncertain significance (1 of 4 stars; one submission).

Allele frequency attached by ClinVar (database versions not stated): gnomAD 0.00002; gnomAD exomes 0.00002; TOPMed 0.00004; ExAC 0.00005.
gnomAD v4.1: 25 of 1,614,052 alleles (0.0015%); highest among the groups gnomAD compares: East Asian, 0.02%; no homozygotes.

Submission:

Labcorp Genetics (formerly Invitae), Labcorp
Classification: Uncertain significance. Last evaluated: 2022-08-22. Review status: criteria provided, single submitter. Criteria: Invitae Variant Classification Sherloc (09022015). Collection method: clinical testing. Allele origin: germline.
Comment: This sequence change replaces arginine, which is basic and polar, with cysteine, which is neutral and slightly polar, at codon 410 of the AAAS protein (p.Arg410Cys). This variant is present in population databases (rs774565315, gnomAD 0.03%). This variant has not been reported in the literature in individuals affected with AAAS-related conditions. Algorithms developed to predict the effect of missense changes on protein structure and function are either unavailable or do not agree on the potential impact of this missense change (SIFT: "Deleterious"; PolyPhen-2: "Probably Damaging"; Align-GVGD: "Class C0"). In summary, the available evidence is currently insufficient to determine the role of this variant in disease. Therefore, it has been classified as a Variant of Uncertain Significance.